The following is an entry in ClinVar:

NM_000222.3(KIT):c.393C>T (p.Asp131=)

Gene: KIT (KIT proto-oncogene, receptor tyrosine kinase; plus strand). Cytogenetic location: 4q12.
Variant type: single nucleotide variant.
Coding change: c.393C>T on transcript NM_000222.3 (MANE Select); coding-DNA position 393, C replaced by T.
Protein change: p.Asp131=; no amino-acid change (aspartic acid 131 retained).
Molecular consequence: synonymous variant.
Genome position (GRCh38, 1-based): chr4:54,698,339, C>T. VCF-style: chr4-54698339-C-T. GRCh37 (hg19) VCF-style: chr4-55564505-C-T.
Other names: c.393C>T, p.Asp131= (NM_001093772.2, NM_001385284.1, NM_001385285.1 and 4 more transcripts).
Identifiers: ClinVar variation 528630 (VCV000528630.14), dbSNP rs1208138500, ClinGen allele CA439408897.
Genomic context (GRCh38, chr4:54,698,339, plus strand): 5'-TATAGATCCTGCCAAGCTTTTCCTTGTTGACCGCTCCTTGTATGGGAAAGAAGACAACGA[C>T]ACGCTGGTCCGCTGTCCTCTCACAGACCCAGAAGTGACCAATTATTCCCTCAAGGGGTGC-3'
Protein context (NP_000213.1, residues 121-141): DRSLYGKEDN[Asp131=]TLVRCPLTDP

ClinVar aggregate classification (germline): Benign/Likely benign. Review status: criteria provided, multiple submitters, no conflicts (2 of 4 stars). 3 submissions from 3 submitters: Benign (1); Likely benign (2). Last evaluated 2026-06-03.

Conditions:
Hereditary cancer-predisposing syndrome. Also called: Tumor predisposition; Hereditary neoplastic syndrome; Hereditary Cancer Syndrome; Neoplastic Syndromes, Hereditary. Identifiers: Orphanet 140162, MedGen C0027672, MeSH D009386, MONDO:0015356.
Gastrointestinal stromal tumor. Also called: Gastrointestinal stroma tumor; Gastrointestinal stromal tumor, somatic. Identifiers: Orphanet 44890, MedGen C0238198, MeSH D046152, MONDO:0011719, OMIM 606764, HP:0100723.

Allele frequency attached by ClinVar (database versions not stated): gnomAD exomes below 0.00001; gnomAD 0.00001.
gnomAD v4.1: 4 of 1,613,950 alleles (0.00025%); highest among the groups gnomAD compares: Non-Finnish European, 0.00034%; no homozygotes.

Submissions (3):

Myriad Genetics, Inc.
Classification: Benign for Gastrointestinal stromal tumor. Last evaluated: 2026-06-03. Review status: criteria provided, single submitter. Criteria: Myriad Autosomal Dominant, Autosomal Recessive and X-Linked Classification Criteria (2023). Collection method: clinical testing. Allele origin: unknown.
Comment: This variant is considered benign. This variant is a silent/synonymous amino acid change and it is not expected to impact splicing.

Labcorp Genetics (formerly Invitae), Labcorp
Classification: Likely benign for Gastrointestinal stromal tumor. Last evaluated: 2024-12-12. Review status: criteria provided, single submitter. Criteria: Invitae Variant Classification Sherloc (09022015). Collection method: clinical testing. Allele origin: germline.

Ambry Genetics
Classification: Likely benign for Hereditary cancer-predisposing syndrome. Last evaluated: 2022-04-23. Review status: criteria provided, single submitter. Criteria: Ambry Variant Classification Scheme 2023. Collection method: clinical testing. Allele origin: germline.